The following is an entry in ClinVar:

ClinVar aggregate classification (germline): Uncertain significance. Review status: criteria provided, multiple submitters, no conflicts (2 of 4 stars). 2 submissions from 2 submitters: Uncertain significance (2). Last evaluated 2026-03-19.

Conditions:
Inborn genetic diseases. Identifiers: MedGen C0950123, MeSH D030342.
Early-infantile DEE. Also called: Early infantile epileptic encephalopathy; Early infantile epileptic encephalopathy with suppression bursts; Ohtahara syndrome. Identifiers: Orphanet 1934, MedGen C0393706, MONDO:0800491.

Allele frequency attached by ClinVar (database versions not stated): gnomAD exomes below 0.00001; TOPMed 0.00002; gnomAD 0.00002; ESP Exome Variant Server 0.00008.

Submissions (2):

Ambry Genetics
Classification: Uncertain significance for Inborn genetic diseases. Last evaluated: 2026-03-19. Review status: criteria provided, single submitter. Criteria: Ambry Variant Classification Scheme 2023. Collection method: clinical testing. Allele origin: germline.
Comment: The c.550G>A (p.A184T) alteration is located in exon 7 (coding exon 6) of the SLC25A22 gene. This alteration results from a G to A substitution at nucleotide position 550, causing the alanine (A) at amino acid position 184 to be replaced by a threonine (T). Based on data from gnomAD, the A allele has an overall frequency of <0.001% (1/241852) total alleles studied. The highest observed frequency was 0.001% (1/107940) of European (non-Finnish) alleles. Based on insufficient or conflicting evidence, the clinical significance of this alteration remains unclear.

Labcorp Genetics (formerly Invitae), Labcorp
Classification: Uncertain significance for Early-infantile DEE. Last evaluated: 2023-08-17. Review status: criteria provided, single submitter. Criteria: Invitae Variant Classification Sherloc (09022015). Collection method: clinical testing. Allele origin: germline.
Comment: In summary, the available evidence is currently insufficient to determine the role of this variant in disease. Therefore, it has been classified as a Variant of Uncertain Significance. Advanced modeling of protein sequence and biophysical properties (such as structural, functional, and spatial information, amino acid conservation, physicochemical variation, residue mobility, and thermodynamic stability) performed at Invitae indicates that this missense variant is not expected to disrupt SLC25A22 protein function. ClinVar contains an entry for this variant (Variation ID: 1350691). This variant has not been reported in the literature in individuals affected with SLC25A22-related conditions. This variant is present in population databases (rs370941893, gnomAD 0.0009%). This sequence change replaces alanine, which is neutral and non-polar, with threonine, which is neutral and polar, at codon 184 of the SLC25A22 protein (p.Ala184Thr).

NM_001191061.2(SLC25A22):c.550G>A (p.Ala184Thr)

Gene: SLC25A22 (solute carrier family 25 member 22; minus strand). Cytogenetic location: 11p15.5.
Variant type: single nucleotide variant.
Coding change: c.550G>A on transcript NM_001191061.2 (MANE Select); coding-DNA position 550, G replaced by A.
Protein change: p.Ala184Thr; replaces alanine 184 with threonine.
Molecular consequence: missense variant.
Genome position (GRCh38, 1-based): chr11:792,590, C>T on the plus strand (G>A on the coding strand, the complement: SLC25A22 is on the minus strand). VCF-style: chr11-792590-C-T. GRCh37 (hg19) VCF-style: chr11-792590-C-T.
Other names: c.550G>A, p.Ala184Thr (NM_001191060.2, NM_024698.6); c.550G>A (NM_024698.5); short protein forms A184T.
Identifiers: ClinVar variation 1350691 (VCV001350691.10), dbSNP rs370941893, ClinGen allele CA216993630.